The following is an entry in ClinVar:

ClinVar aggregate classification (germline): Uncertain significance (1 of 4 stars; one submission).

Submission:

Labcorp Genetics (formerly Invitae), Labcorp
Classification: Uncertain significance. Last evaluated: 2021-09-18. Review status: criteria provided, single submitter. Criteria: Invitae Variant Classification Sherloc (09022015). Collection method: clinical testing. Allele origin: germline.
Comment: Algorithms developed to predict the effect of missense changes on protein structure and function (SIFT, PolyPhen-2, Align-GVGD) all suggest that this variant is likely to be tolerated. This sequence change replaces proline with serine at codon 738 of the TBCK protein (p.Pro738Ser). The proline residue is weakly conserved and there is a moderate physicochemical difference between proline and serine. This variant is not present in population databases (ExAC no frequency). This variant has not been reported in the literature in individuals affected with TBCK-related conditions. In summary, the available evidence is currently insufficient to determine the role of this variant in disease. Therefore, it has been classified as a Variant of Uncertain Significance.

NM_001163435.3(TBCK):c.2212C>T (p.Pro738Ser)

Gene: TBCK (TBC1 domain containing kinase; minus strand). Cytogenetic location: 4q24.
Variant type: single nucleotide variant.
Coding change: c.2212C>T on transcript NM_001163435.3 (MANE Select); coding-DNA position 2212, C replaced by T.
Protein change: p.Pro738Ser; replaces proline 738 with serine.
Molecular consequence: missense variant.
Genome position (GRCh38, 1-based): chr4:106,171,118, G>A on the plus strand (C>T on the coding strand, the complement: TBCK is on the minus strand). VCF-style: chr4-106171118-G-A. GRCh37 (hg19) VCF-style: chr4-107092275-G-A.
Other names: c.2212C>T, p.Pro738Ser (NM_001163436.4); c.2095C>T, p.Pro699Ser (NM_001163437.3); c.1696C>T, p.Pro566Ser (NM_001290768.2); c.2023C>T, p.Pro675Ser (NM_033115.5); short protein forms P699S, P738S, P566S, P675S.
Identifiers: ClinVar variation 1382070 (VCV001382070.6), dbSNP rs1579115219, ClinGen allele CA357819136.
Genomic context (GRCh38, chr4:106,171,118, plus strand): 5'-CTTTTAGAGTTTGTAAACTAAATCCGCAAATACATACCAGATCTGTCTTTGGAGGATCTG[G>A]ACACTCAGCAGAGAAATAAGGTGCCGAACTTCTGCCTCCACTGCTGTCAGAAGATGGCTT-3'
Protein context (NP_001156907.2, residues 728-748): SSAPYFSAEC[Pro738Ser]DPPKTDLSRE